The following is an entry in ClinVar:

NM_172095.4(CATSPER2):c.1179-2A>T

Gene: CATSPER2 (cation channel sperm associated 2; minus strand). Cytogenetic location: 15q15.3.
Variant type: single nucleotide variant.
Coding change: c.1179-2A>T on transcript NM_172095.4 (MANE Select); the canonical splice acceptor site of the intron before coding-DNA position 1179, A replaced by T.
Molecular consequence: splice acceptor variant. On other transcripts: intron variant (2).
Genome position (GRCh38, 1-based): chr15:43,632,936, T>A on the plus strand (A>T on the coding strand, the complement: CATSPER2 is on the minus strand). VCF-style: chr15-43632936-T-A. GRCh37 (hg19) VCF-style: chr15-43925134-T-A.
Other names: c.1179-8A>T (NM_001282309.3); c.1197-8A>T (NM_001282310.2).
Identifiers: ClinVar variation 402497 (VCV000402497.6), dbSNP rs7169097, ClinGen allele CA7528621.

ClinVar aggregate classification (germline): Benign. Review status: criteria provided, multiple submitters, no conflicts (2 of 4 stars). 4 submissions from 4 submitters: Benign (4). Last evaluated 2019-05-28.

Conditions:
Rare genetic deafness. Identifiers: Orphanet 96210, MedGen C5680250.

Allele frequency attached by ClinVar (database versions not stated): gnomAD exomes 0.31718; ExAC 0.33037; gnomAD 0.39868 and 0.40086; TOPMed 0.42918; 1000 Genomes Project 0.45188; 1000 Genomes Project 30x 0.45394.

Submissions (4):

Mendelics
Classification: Benign for Rare genetic deafness. Last evaluated: 2019-05-28. Review status: criteria provided, single submitter. Criteria: Mendelics Assertion Criteria 2017. Collection method: clinical testing. Allele origin: unknown.

GeneDx
Classification: Benign. Last evaluated: 2017-05-09. Review status: criteria provided, single submitter. Criteria: GeneDx Variant Classification (06012015). Collection method: clinical testing. Allele origin: germline. Affected: yes.
Comment: This variant is considered likely benign or benign based on one or more of the following criteria: it is a conservative change, it occurs at a poorly conserved position in the protein, it is predicted to be benign by multiple in silico algorithms, and/or has population frequency not consistent with disease.

Laboratory for Molecular Medicine, Mass General Brigham Personalized Medicine
Classification: Benign. Last evaluated: 2016-03-29. Review status: criteria provided, single submitter. Criteria: LMM Criteria. Collection method: clinical testing. Allele origin: germline.
Comment: Variant identified in a genome or exome case(s) and assessed due to predicted null impact of the variant or pathogenic assertions in the literature or databases. Disclaimer: This variant has not undergone full assessment. The following are preliminary notes: Frequency in 1000Genomes: 923/2178=42.4%

Breakthrough Genomics
Classification: Benign. Review status: criteria provided, single submitter. Criteria: ACMG Guidelines, 2015. Collection method: not provided. Allele origin: germline. Inheritance: Unknown mechanism. Affected: yes.